The following is an entry in ClinVar:

NM_005993.5(TBCD):c.932C>T (p.Pro311Leu)

Gene: TBCD (tubulin folding cofactor D). Cytogenetic location: 17q25.3.
Variant type: single nucleotide variant.
Coding change: c.932C>T on transcript NM_005993.5 (MANE Select); coding-DNA position 932, C replaced by T.
Protein change: p.Pro311Leu; replaces proline 311 with leucine.
Molecular consequence: missense variant.
Genome position (GRCh38, 1-based): chr17:82,800,978, C>T. VCF-style: chr17-82800978-C-T. GRCh37 (hg19) VCF-style: chr17-80758854-C-T.
Other names: c.932C>T (NM_005993.4); short protein forms P311L.
Identifiers: ClinVar variation 1449614 (VCV001449614.5), dbSNP rs780136255, ClinGen allele CA8861803.

ClinVar aggregate classification (germline): Uncertain significance. Review status: criteria provided, multiple submitters, no conflicts (2 of 4 stars). 3 submissions from 3 submitters: Uncertain significance (3). Last evaluated 2025-01-14.

Conditions:
Inborn genetic diseases. Identifiers: MedGen C0950123, MeSH D030342.

Allele frequency attached by ClinVar (database versions not stated): gnomAD 0.00001.
gnomAD v4.1: 143 of 1,606,922 alleles (0.0089%); highest among the groups gnomAD compares: Middle Eastern, 0.037%; no homozygotes.

Submissions (3):

Ambry Genetics
Classification: Uncertain significance for Inborn genetic diseases. Last evaluated: 2025-01-14. Review status: criteria provided, single submitter. Criteria: Ambry Variant Classification Scheme 2023. Collection method: clinical testing. Allele origin: germline.

Labcorp Genetics (formerly Invitae), Labcorp
Classification: Uncertain significance. Last evaluated: 2022-11-01. Review status: criteria provided, single submitter. Criteria: Invitae Variant Classification Sherloc (09022015). Collection method: clinical testing. Allele origin: germline.
Comment: This sequence change replaces proline, which is neutral and non-polar, with leucine, which is neutral and non-polar, at codon 311 of the TBCD protein (p.Pro311Leu). This variant is present in population databases (rs780136255, gnomAD 0.01%). This variant has not been reported in the literature in individuals affected with TBCD-related conditions. ClinVar contains an entry for this variant (Variation ID: 1449614). Advanced modeling of protein sequence and biophysical properties (such as structural, functional, and spatial information, amino acid conservation, physicochemical variation, residue mobility, and thermodynamic stability) has been performed at Invitae for this missense variant, however the output from this modeling did not meet the statistical confidence thresholds required to predict the impact of this variant on TBCD protein function. In summary, the available evidence is currently insufficient to determine the role of this variant in disease. Therefore, it has been classified as a Variant of Uncertain Significance.

Blueprint Genetics
Classification: Uncertain significance. Last evaluated: 2019-09-24. Review status: criteria provided, single submitter. Criteria: ACMG Guidelines, 2015. Collection method: clinical testing. Allele origin: germline.